The following is an entry in ClinVar:

ClinVar aggregate classification (germline): Uncertain significance. Review status: criteria provided, multiple submitters, no conflicts (2 of 4 stars). 2 submissions from 2 submitters: Uncertain significance (2). Last evaluated 2025-03-23.

Conditions:
Cardiovascular phenotype. Identifiers: MedGen CN230736.
Long QT syndrome (LQTS). Identifiers: MedGen C0023976, MeSH D008133, MONDO:0002442. Disease mechanism: loss of function. Inheritance: Various modes of inheritance.

gnomAD v4.1: 6 of 1,613,388 alleles (0.00037%); highest among the groups gnomAD compares: Non-Finnish European, 0.00051%; no homozygotes.

Submissions (2):

Ambry Genetics
Classification: Uncertain significance for Cardiovascular phenotype. Last evaluated: 2025-03-23. Review status: criteria provided, single submitter. Criteria: Ambry Variant Classification Scheme 2023. Collection method: clinical testing. Allele origin: germline.
Comment: The p.S27W variant (also known as c.80C>G), located in coding exon 2 of the AKAP9 gene, results from a C to G substitution at nucleotide position 80. The serine at codon 27 is replaced by tryptophan, an amino acid with highly dissimilar properties. This amino acid position is not well conserved in available vertebrate species. In addition, this alteration is predicted to be tolerated by in silico analysis. The evidence for this gene-disease relationship is limited; therefore, the clinical significance of this alteration is unclear.

Labcorp Genetics (formerly Invitae), Labcorp
Classification: Uncertain significance for Long QT syndrome. Last evaluated: 2024-07-23. Review status: criteria provided, single submitter. Criteria: Invitae Variant Classification Sherloc (09022015). Collection method: clinical testing. Allele origin: germline.
Comment: This sequence change replaces serine, which is neutral and polar, with tryptophan, which is neutral and slightly polar, at codon 27 of the AKAP9 protein (p.Ser27Trp). This variant is present in population databases (rs142401936, gnomAD 0.0009%). This variant has not been reported in the literature in individuals affected with AKAP9-related conditions. ClinVar contains an entry for this variant (Variation ID: 2449756). An algorithm developed to predict the effect of missense changes on protein structure and function (PolyPhen-2) suggests that this variant is likely to be disruptive. In summary, the available evidence is currently insufficient to determine the role of this variant in disease. Therefore, it has been classified as a Variant of Uncertain Significance.

NM_005751.5(AKAP9):c.80C>G (p.Ser27Trp)

Gene: AKAP9 (A-kinase anchoring protein 9; plus strand). Cytogenetic location: 7q21.2.
Variant type: single nucleotide variant.
Coding change: c.80C>G on transcript NM_005751.5 (MANE Select); coding-DNA position 80, C replaced by G.
Protein change: p.Ser27Trp; replaces serine 27 with tryptophan.
Molecular consequence: missense variant.
Genome position (GRCh38, 1-based): chr7:91,973,742, C>G. VCF-style: chr7-91973742-C-G. GRCh37 (hg19) VCF-style: chr7-91603056-C-G.
Other names: c.80C>G, p.Ser27Trp (NM_147185.3); short protein forms S27W.
Identifiers: ClinVar variation 2449756 (VCV002449756.5), dbSNP rs142401936, ClinGen allele CA4335727.